The following is an entry in ClinVar:

ClinVar aggregate classification (germline): Pathogenic (1 of 4 stars; one submission).

Conditions:
Interstitial lung disease due to ABCA3 deficiency. Also called: PULMONARY ALVEOLAR PROTEINOSIS, CONGENITAL, 3. Identifiers: Orphanet 440402, MedGen C1970456, MONDO:0012582, OMIM 610921.

Submission:

Myriad Genetics, Inc.
Classification: Pathogenic for Interstitial lung disease due to ABCA3 deficiency. Last evaluated: 2025-11-27. Review status: criteria provided, single submitter. Criteria: Myriad Autosomal Dominant, Autosomal Recessive and X-Linked Classification Criteria (2023). Collection method: clinical testing. Allele origin: unknown.
Comment: NM_001089.2(ABCA3):c.3816_3817dupGT(Y1273Cfs*74) is expected to be pathogenic in the context of surfactant deficiency, ABCA3-related. This variant is predicted to lead to an abnormal or absent protein product due to the creation of a premature termination codon in ABCA3, a gene where loss-of-function variants are known to be pathogenic. Please note: this variant was assessed in the context of healthy population screening.

NM_001089.3(ABCA3):c.3816_3817dup (p.Tyr1273fs)

Gene: ABCA3 (ATP binding cassette subfamily A member 3; minus strand). Cytogenetic location: 16p13.3.
Variant type: Duplication.
Coding change: c.3816_3817dup on transcript NM_001089.3 (MANE Select); coding-DNA positions 3816 to 3817, 2 bases duplicated (GT; older notation c.3816_3817dupGT).
Protein change: p.Tyr1273fs; shifts the reading frame from tyrosine 1273.
Molecular consequence: frameshift variant.
Genome position (GRCh38, 1-based): chr16:2,284,324-2,284,325, AC duplicated on the plus strand (GT on the coding strand, the reverse complement: ABCA3 is on the minus strand). VCF-style (leftmost placement, unchanged base first): chr16-2284323-T-TAC. GRCh37 (hg19) VCF-style: chr16-2334324-T-TAC.
Other names: short protein forms Y1273fs.
Identifiers: ClinVar variation 5015267 (VCV005015267.1).